The following is an entry in ClinVar:

ClinVar aggregate classification (germline): Uncertain significance (1 of 4 stars; one submission).

Allele frequency attached by ClinVar (database versions not stated): gnomAD exomes below 0.00001; ExAC 0.00001; TOPMed 0.00001.
gnomAD v4.1: 6 of 1,613,946 alleles (0.00037%); highest among the groups gnomAD compares: Admixed American, 0.0017%; no homozygotes.

Submission:

Labcorp Genetics (formerly Invitae), Labcorp
Classification: Uncertain significance. Last evaluated: 2022-08-21. Review status: criteria provided, single submitter. Criteria: Invitae Variant Classification Sherloc (09022015). Collection method: clinical testing. Allele origin: germline.
Comment: This sequence change replaces histidine, which is basic and polar, with arginine, which is basic and polar, at codon 874 of the MYO18B protein (p.His874Arg). This variant is present in population databases (rs759756313, gnomAD 0.003%). This variant has not been reported in the literature in individuals affected with MYO18B-related conditions. Algorithms developed to predict the effect of missense changes on protein structure and function are either unavailable or do not agree on the potential impact of this missense change (SIFT: "Not Available"; PolyPhen-2: "Probably Damaging"; Align-GVGD: "Not Available"). In summary, the available evidence is currently insufficient to determine the role of this variant in disease. Therefore, it has been classified as a Variant of Uncertain Significance.

NM_032608.7(MYO18B):c.2621A>G (p.His874Arg)

Gene: MYO18B (myosin XVIIIB; plus strand). Cytogenetic location: 22q12.1.
Variant type: single nucleotide variant.
Coding change: c.2621A>G on transcript NM_032608.7 (MANE Select); coding-DNA position 2621, A replaced by G.
Protein change: p.His874Arg; replaces histidine 874 with arginine.
Molecular consequence: missense variant.
Genome position (GRCh38, 1-based): chr22:25,823,604, A>G. VCF-style: chr22-25823604-A-G. GRCh37 (hg19) VCF-style: chr22-26219571-A-G.
Other names: c.2621A>G, p.His874Arg (NM_001318245.2); short protein forms H874R.
Identifiers: ClinVar variation 2075437 (VCV002075437.1), dbSNP rs759756313, ClinGen allele CA10160242.